The following is an entry in ClinVar:

ClinVar aggregate classification (germline): Pathogenic (1 of 4 stars; one submission).

Allele frequency attached by ClinVar (database versions not stated): gnomAD exomes below 0.00001.
gnomAD v4.1: 1 of 1,613,996 alleles (0.000062%); highest among the groups gnomAD compares: Non-Finnish European, 0.000085%; no homozygotes.

Submission:

Labcorp Genetics (formerly Invitae), Labcorp
Classification: Pathogenic. Last evaluated: 2023-08-14. Review status: criteria provided, single submitter. Criteria: Invitae Variant Classification Sherloc (09022015). Collection method: clinical testing. Allele origin: germline.
Comment: This sequence change creates a premature translational stop signal (p.Gln191*) in the PGAP3 gene. It is expected to result in an absent or disrupted protein product. Loss-of-function variants in PGAP3 are known to be pathogenic (PMID: 2443911, 27120253). This variant is not present in population databases (gnomAD no frequency). This variant has not been reported in the literature in individuals affected with PGAP3-related conditions. For these reasons, this variant has been classified as Pathogenic.

Literature cited by the submitters: PubMed 2443911; PubMed 27120253.

NM_033419.5(PGAP3):c.571C>T (p.Gln191Ter)

Gene: PGAP3 (post-GPI attachment to proteins phospholipase 3; minus strand). Cytogenetic location: 17q12.
Variant type: single nucleotide variant.
Coding change: c.571C>T on transcript NM_033419.5 (MANE Select); coding-DNA position 571, C replaced by T.
Protein change: p.Gln191Ter; replaces glutamine 191 with a stop codon.
Molecular consequence: nonsense. On other transcripts: intron variant (3).
Genome position (GRCh38, 1-based): chr17:39,673,637, G>A on the plus strand (C>T on the coding strand, the complement: PGAP3 is on the minus strand). VCF-style: chr17-39673637-G-A. GRCh37 (hg19) VCF-style: chr17-37829890-G-A.
Other names: c.418C>T, p.Gln140Ter (NM_001291726.2); c.508C>T, p.Gln170Ter (NM_001291728.2); c.433-771C>T (NM_001291733.2); c.494+356C>T (NM_001291732.2); c.557+356C>T (NM_001291730.2); short protein forms Q170*, Q191*, Q140*.
Identifiers: ClinVar variation 2752554 (VCV002752554.3), dbSNP rs2543763064, ClinGen allele CA399321523.